The following is an entry in ClinVar:

NM_000089.4(COL1A2):c.292C>T (p.Pro98Ser)

Gene: COL1A2 (collagen type I alpha 2 chain; plus strand). Cytogenetic location: 7q21.3.
Variant type: single nucleotide variant.
Coding change: c.292C>T on transcript NM_000089.4 (MANE Select); coding-DNA position 292, C replaced by T.
Protein change: p.Pro98Ser; replaces proline 98 with serine.
Molecular consequence: missense variant.
Genome position (GRCh38, 1-based): chr7:94,404,568, C>T. VCF-style: chr7-94404568-C-T. GRCh37 (hg19) VCF-style: chr7-94033880-C-T.
Other names: short protein forms P98S.
Identifiers: ClinVar variation 580339 (VCV000580339.11), dbSNP rs765868569, ClinGen allele CA4346616.
Genomic context (GRCh38, chr7:94,404,568, plus strand): 5'-ATGACAACTTATCAGTGCTAACTGTTGATATATCTGCTTTCTTTACAGGGCTTAATGGGA[C>T]CTAGAGGCCCACCTGGTGCAGCTGGAGCCCCAGTAAGTACTGAAAGCTTGTAATGCCTCT-3'
Protein context (NP_000080.2, residues 88-108): LGPGPMGLMG[Pro98Ser]RGPPGAAGAP

ClinVar aggregate classification (germline): Uncertain significance. Review status: criteria provided, multiple submitters, no conflicts (2 of 4 stars). 2 submissions from 2 submitters: Uncertain significance (2). Last evaluated 2026-05-20.

Conditions:
Osteogenesis imperfecta type I (OI1). Also called: OI, TYPE I; OSTEOGENESIS IMPERFECTA TARDA; OSTEOGENESIS IMPERFECTA WITH BLUE SCLERAE; Lobstein's Disease; Classic Non-deforming Osteogenesis Imperfecta with Blue Sclerae; Lobstein disease. Identifiers: Orphanet 216796, Orphanet 666, MedGen C0023931, MONDO:0008146, OMIM 166200. Disease mechanism: loss of function.
Ehlers-Danlos syndrome, classic type, 1 (EDSCL1). Also called: Ehlers-Danlos Syndrome, Classic Type, COL5A1-Related; EDS I; Ehlers-Danlos syndrome, type 1; EHLERS-DANLOS SYNDROME, GRAVIS TYPE; EHLERS-DANLOS SYNDROME, SEVERE CLASSIC TYPE. Identifiers: MedGen C0268335, MONDO:0019567, OMIM 130000.

Allele frequency attached by ClinVar (database versions not stated): ExAC 0.00001; TOPMed 0.00005; gnomAD 0.00001; gnomAD exomes 0.00002.
gnomAD v4.1: 9 of 1,613,344 alleles (0.00056%); highest among the groups gnomAD compares: Middle Eastern, 0.036%; no homozygotes.

Submissions (2):

MVZ Martinsried, Medicover Genetics
Classification: Uncertain significance for Osteogenesis imperfecta type I. Last evaluated: 2026-05-20. Review status: criteria provided, single submitter. Criteria: ACGS Guidelines, 2020. Collection method: clinical testing. Allele origin: unknown. Observed: 1 heterozygote.

Labcorp Genetics (formerly Invitae), Labcorp
Classification: Uncertain significance for Osteogenesis imperfecta type I; Ehlers-Danlos syndrome, classic type, 1. Last evaluated: 2025-02-17. Review status: criteria provided, single submitter. Criteria: Invitae Variant Classification Sherloc (09022015). Collection method: clinical testing. Allele origin: germline.
Comment: This sequence change replaces proline, which is neutral and non-polar, with serine, which is neutral and polar, at codon 98 of the COL1A2 protein (p.Pro98Ser). This variant is present in population databases (rs765868569, gnomAD 0.009%). This variant has not been reported in the literature in individuals affected with COL1A2-related conditions. ClinVar contains an entry for this variant (Variation ID: 580339). Invitae Evidence Modeling of protein sequence and biophysical properties (such as structural, functional, and spatial information, amino acid conservation, physicochemical variation, residue mobility, and thermodynamic stability) indicates that this missense variant is not expected to disrupt COL1A2 protein function with a negative predictive value of 95%. In summary, the available evidence is currently insufficient to determine the role of this variant in disease. Therefore, it has been classified as a Variant of Uncertain Significance.